The following is an entry in ClinVar:

NM_030665.4(RAI1):c.14G>A (p.Arg5Gln)

Gene: RAI1 (retinoic acid induced 1; plus strand). Cytogenetic location: 17p11.2.
Variant type: single nucleotide variant.
Coding change: c.14G>A on transcript NM_030665.4 (MANE Select); coding-DNA position 14, G replaced by A.
Protein change: p.Arg5Gln; replaces arginine 5 with glutamine.
Molecular consequence: missense variant.
Genome position (GRCh38, 1-based): chr17:17,792,962, G>A. VCF-style: chr17-17792962-G-A. GRCh37 (hg19) VCF-style: chr17-17696276-G-A.
Other names: short protein forms R5Q.
Identifiers: ClinVar variation 2540763 (VCV002540763.5), dbSNP rs781312985, ClinGen allele CA8418027.
Genomic context (GRCh38, chr17:17,792,962, plus strand): 5'-TCCCTCCCTCCCTTCCTTTTTCTTTTCACAGATAACCAGCCCGAGTCATGCAGTCTTTTC[G>A]AGAAAGGTGTGGTTTCCATGGCAAACAACAGAACTACCAGCAGACCTCGCAGGAAACATC-3'
Protein context (NP_109590.3, residues 1-15): MQSF[Arg5Gln]ERCGFHGKQQ

ClinVar aggregate classification (germline): Uncertain significance. Review status: criteria provided, multiple submitters, no conflicts (2 of 4 stars). 2 submissions from 2 submitters: Uncertain significance (2). Last evaluated 2024-01-12.

Conditions:
Inborn genetic diseases. Identifiers: MedGen C0950123, MeSH D030342.

Allele frequency attached by ClinVar (database versions not stated): gnomAD 0.00001; TOPMed 0.00002.
gnomAD v4.1: 10 of 1,502,838 alleles (0.00067%); highest among the groups gnomAD compares: Middle Eastern, 0.018%; no homozygotes.

Submissions (2):

Labcorp Genetics (formerly Invitae), Labcorp
Classification: Uncertain significance. Last evaluated: 2024-01-12. Review status: criteria provided, single submitter. Criteria: Invitae Variant Classification Sherloc (09022015). Collection method: clinical testing. Allele origin: germline.
Comment: This sequence change replaces arginine, which is basic and polar, with glutamine, which is neutral and polar, at codon 5 of the RAI1 protein (p.Arg5Gln). This variant is present in population databases (rs781312985, gnomAD 0.003%). This variant has not been reported in the literature in individuals affected with RAI1-related conditions. ClinVar contains an entry for this variant (Variation ID: 2540763). Advanced modeling of protein sequence and biophysical properties (such as structural, functional, and spatial information, amino acid conservation, physicochemical variation, residue mobility, and thermodynamic stability) has been performed at Invitae for this missense variant, however the output from this modeling did not meet the statistical confidence thresholds required to predict the impact of this variant on RAI1 protein function. In summary, the available evidence is currently insufficient to determine the role of this variant in disease. Therefore, it has been classified as a Variant of Uncertain Significance.

Ambry Genetics
Classification: Uncertain significance for Inborn genetic diseases. Last evaluated: 2023-04-26. Review status: criteria provided, single submitter. Criteria: Ambry Variant Classification Scheme 2023. Collection method: clinical testing. Allele origin: germline.